The following is an entry in ClinVar:

ClinVar aggregate classification (germline): Uncertain significance (1 of 4 stars; one submission).

gnomAD v4.1: 4 of 1,597,018 alleles (0.00025%); highest among the groups gnomAD compares: Non-Finnish European, 0.00034%; no homozygotes.

Submission:

Clinical Genomics Laboratory, Washington University in St. Louis
Classification: Uncertain significance. Last evaluated: 2026-01-06. Review status: criteria provided, single submitter. Criteria: ACMG Guidelines, 2015. Collection method: clinical testing. Allele origin: germline.
Comment: The TGM2 c.431C>G (p.Pro144Arg) variant, to our knowledge, has not been reported in the medical literature. This variant is only observed in 1/218,496 alleles in the general population (gnomAD v2.1.1), indicating it is not a common variant. Computational predictors are uncertain as to the impact of this variant on TGM2 function. Due to limited information, the clinical significance of this variant is uncertain.

NM_004613.4(TGM2):c.431C>G (p.Pro144Arg)

Gene: TGM2 (transglutaminase 2; minus strand). Cytogenetic location: 20q11.23.
Variant type: single nucleotide variant.
Coding change: c.431C>G on transcript NM_004613.4 (MANE Select); coding-DNA position 431, C replaced by G.
Protein change: p.Pro144Arg; replaces proline 144 with arginine.
Molecular consequence: missense variant. On other transcripts: intron variant (1).
Genome position (GRCh38, 1-based): chr20:38,155,849, G>C on the plus strand (C>G on the coding strand, the complement: TGM2 is on the minus strand). VCF-style: chr20-38155849-G-C. GRCh37 (hg19) VCF-style: chr20-36784251-G-C.
Other names: c.431C>G, p.Pro144Arg (NM_001323316.2, NM_198951.3); c.251C>G, p.Pro84Arg (NM_001323318.2); c.191-4792C>G (NM_001323317.2); short protein forms P144R, P84R.
Identifiers: ClinVar variation 4879212 (VCV004879212.1).
Genomic context (GRCh38, chr20:38,155,849, plus strand): 5'-CATGGGCGGATCCAGCCCTGCCCACCCCAACGCTGTGAGTGGATGGCGTGTGGCTCACCT[G>C]GGCACCAGGCGTTGAAGAGCAAAATGAAGTGGCCCAGCACAAAGCTGGATCCCTGGTAGC-3'
Protein context (NP_004604.2, residues 134-154): HFILLFNAWC[Pro144Arg]ADAVYLDSEE